The following is an entry in ClinVar:

NM_004795.4(KL):c.2047C>A (p.Leu683Ile)

Gene: KL (klotho; plus strand). Cytogenetic location: 13q13.1.
Variant type: single nucleotide variant.
Coding change: c.2047C>A on transcript NM_004795.4 (MANE Select); coding-DNA position 2047, C replaced by A.
Protein change: p.Leu683Ile; replaces leucine 683 with isoleucine.
Molecular consequence: missense variant.
Genome position (GRCh38, 1-based): chr13:33,061,126, C>A. VCF-style: chr13-33061126-C-A. GRCh37 (hg19) VCF-style: chr13-33635263-C-A.
Other names: short protein forms L683I.
Identifiers: ClinVar variation 2385084 (VCV002385084.6), dbSNP rs372004513, ClinGen allele CA6944237.
Genomic context (GRCh38, chr13:33,061,126, plus strand): 5'-GCCCTGGCCTTTGCAGAGTATGCCCGACTGTGCTTTCAAGAGCTCGGCCATCACGTCAAG[C>A]TTTGGATAACGATGAATGAGCCGTATACAAGGAATATGACATACAGTGCTGGCCACAACC-3'
Protein context (NP_004786.2, residues 673-693): CFQELGHHVK[Leu683Ile]WITMNEPYTR

ClinVar aggregate classification (germline): Uncertain significance. Review status: criteria provided, multiple submitters, no conflicts (2 of 4 stars). 2 submissions from 2 submitters: Uncertain significance (2). Last evaluated 2025-02-03.

Allele frequency attached by ClinVar (database versions not stated): TOPMed 0.00005; ExAC 0.00002; ESP Exome Variant Server 0.00008; gnomAD 0.00005.
gnomAD v4.1: 19 of 1,614,052 alleles (0.0012%); highest among the groups gnomAD compares: Middle Eastern, 0.016%; no homozygotes.

Submissions (2):

Labcorp Genetics (formerly Invitae), Labcorp
Classification: Uncertain significance. Last evaluated: 2025-02-03. Review status: criteria provided, single submitter. Criteria: Invitae Variant Classification Sherloc (09022015). Collection method: clinical testing. Allele origin: germline.
Comment: This sequence change replaces leucine, which is neutral and non-polar, with isoleucine, which is neutral and non-polar, at codon 683 of the KL protein (p.Leu683Ile). This variant is present in population databases (rs372004513, gnomAD 0.02%). This variant has not been reported in the literature in individuals affected with KL-related conditions. ClinVar contains an entry for this variant (Variation ID: 2385084). Invitae Evidence Modeling of protein sequence and biophysical properties (such as structural, functional, and spatial information, amino acid conservation, physicochemical variation, residue mobility, and thermodynamic stability) indicates that this missense variant is not expected to disrupt KL protein function with a negative predictive value of 80%. In summary, the available evidence is currently insufficient to determine the role of this variant in disease. Therefore, it has been classified as a Variant of Uncertain Significance.

Ambry Genetics
Classification: Uncertain significance. Last evaluated: 2024-08-11. Review status: criteria provided, single submitter. Criteria: Ambry Variant Classification Scheme 2023. Collection method: clinical testing. Allele origin: germline.